The following is an entry in ClinVar:

NM_001378414.1(HDAC4):c.1692G>A (p.Lys564=)

Gene: HDAC4 (histone deacetylase 4; minus strand). Cytogenetic location: 2q37.3.
Variant type: single nucleotide variant.
Coding change: c.1692G>A on transcript NM_001378414.1 (MANE Select); coding-DNA position 1692, G replaced by A.
Protein change: p.Lys564=; no amino-acid change (lysine 564 retained).
Molecular consequence: synonymous variant.
Genome position (GRCh38, 1-based): chr2:239,115,152, C>T on the plus strand (G>A on the coding strand, the complement: HDAC4 is on the minus strand). VCF-style: chr2-239115152-C-T. GRCh37 (hg19) VCF-style: chr2-240036848-C-T.
Other names: c.1692G>A, p.Lys564= (NM_001378415.1); c.1677G>A, p.Lys559= (NM_001378416.1, NM_001378417.1, NM_006037.4).
Identifiers: ClinVar variation 284730 (VCV000284730.37), dbSNP rs114495208, ClinGen allele CA2199721.

ClinVar aggregate classification (germline): Benign/Likely benign. Review status: criteria provided, multiple submitters, no conflicts (2 of 4 stars). 4 submissions from 4 submitters: Benign (3); Likely benign (1). Last evaluated 2026-05-01.

Allele frequency attached by ClinVar (database versions not stated): 1000 Genomes Project 30x 0.00250; 1000 Genomes Project 0.00260; ESP Exome Variant Server 0.00377; TOPMed 0.00408; gnomAD 0.00586 and 0.00604; gnomAD exomes 0.00587 and 0.00608; ExAC 0.00634.
gnomAD v4.1: 9,336 of 1,611,622 alleles (0.58%); highest among the groups gnomAD compares: Non-Finnish European, 0.61%; 48 homozygotes.

Submissions (4):

CeGaT Center for Human Genetics Tuebingen
Classification: Likely benign. Last evaluated: 2026-05-01. Review status: criteria provided, single submitter. Criteria: CeGaT Center For Human Genetics Tuebingen Variant Classification Criteria Version 2. Collection method: clinical testing. Allele origin: germline. Affected: yes. Observed: 16 variant alleles.
Comment: HDAC4: BP4, BP7, BS2

Labcorp Genetics (formerly Invitae), Labcorp
Classification: Benign. Last evaluated: 2026-01-26. Review status: criteria provided, single submitter. Criteria: Invitae Variant Classification Sherloc (09022015). Collection method: clinical testing. Allele origin: germline.

Eurofins Ntd Llc (ga)
Classification: Benign. Last evaluated: 2015-11-24. Review status: criteria provided, single submitter. Criteria: EGL Classification Definitions 2015. Collection method: clinical testing. Allele origin: germline. Observed: 1 variant allele, 1 heterozygote.

Breakthrough Genomics
Classification: Benign. Review status: criteria provided, single submitter. Criteria: ACMG Guidelines, 2015. Collection method: not provided. Allele origin: germline. Inheritance: Autosomal dominant inheritance. Affected: yes.